The following is an entry in ClinVar:

NM_181552.4(CUX1):c.3639G>A (p.Arg1213=)

Gene: CUX1 (cut like homeobox 1; plus strand). Cytogenetic location: 7q22.1.
Variant type: single nucleotide variant.
Coding change: c.3639G>A on transcript NM_181552.4 (MANE Select); coding-DNA position 3639, G replaced by A.
Protein change: p.Arg1213=; no amino-acid change (arginine 1213 retained).
Molecular consequence: synonymous variant. On other transcripts: intron variant (5).
Genome position (GRCh38, 1-based): chr7:102,239,336, G>A. VCF-style: chr7-102239336-G-A. GRCh37 (hg19) VCF-style: chr7-101882616-G-A.
Other names: c.3672G>A, p.Arg1224= (NM_001202543.2); c.1256-34030G>A (NM_001913.5); c.1250-34030G>A (NM_181500.4); c.1118-34030G>A (NM_001202545.3); c.1208-34030G>A (NM_001202544.3); c.1139-34030G>A (NM_001202546.3).
Identifiers: ClinVar variation 2657873 (VCV002657873.24), dbSNP rs781982737, ClinGen allele CA4411393.

ClinVar aggregate classification (germline): Likely benign (1 of 4 stars; one submission).

Allele frequency attached by ClinVar (database versions not stated): TOPMed 0.00002; gnomAD 0.00003; ExAC 0.00004; gnomAD exomes 0.00007.
gnomAD v4.1: 103 of 1,607,546 alleles (0.0064%); highest among the groups gnomAD compares: Non-Finnish European, 0.0087%; no homozygotes.

Submission:

CeGaT Center for Human Genetics Tuebingen
Classification: Likely benign. Last evaluated: 2023-09-01. Review status: criteria provided, single submitter. Criteria: CeGaT Center For Human Genetics Tuebingen Variant Classification Criteria Version 2. Collection method: clinical testing. Allele origin: germline. Affected: yes. Observed: 1 variant allele.
Comment: CUX1: BP4, BP7